The following is an entry in ClinVar:

NM_006440.5(TXNRD2):c.1087-11C>T

Gene: TXNRD2 (thioredoxin reductase 2; minus strand). Cytogenetic location: 22q11.21.
Variant type: single nucleotide variant.
Coding change: c.1087-11C>T on transcript NM_006440.5 (MANE Select); 11 bases into the intron before coding-DNA position 1087, C replaced by T.
Molecular consequence: intron variant.
Genome position (GRCh38, 1-based): chr22:19,880,728, G>A on the plus strand (C>T on the coding strand, the complement: TXNRD2 is on the minus strand). VCF-style: chr22-19880728-G-A. GRCh37 (hg19) VCF-style: chr22-19868251-G-A.
Other names: c.1084-11C>T (NM_001352300.2); c.799-11C>T (NM_001352302.2); c.997-11C>T (NM_001352301.2).
Identifiers: ClinVar variation 388235 (VCV000388235.9), dbSNP rs577814757, ClinGen allele CA10103809.

ClinVar aggregate classification (germline): Benign. Review status: criteria provided, multiple submitters, no conflicts (2 of 4 stars). 2 submissions from 2 submitters: Benign (2). Last evaluated 2026-02-02.

Conditions:
Primary dilated cardiomyopathy (DCM). Also called: Dilated Cardiomyopathy. Identifiers: Orphanet 217604, MedGen C0007193, MeSH D002311, MONDO:0005021, HP:0001644. Inheritance: Various modes of inheritance.

Allele frequency attached by ClinVar (database versions not stated): gnomAD exomes 0.00041 and 0.00136; ExAC 0.00173; gnomAD 0.00470 and 0.00505; 1000 Genomes Project 0.00499; TOPMed 0.00527; 1000 Genomes Project 30x 0.00640.
gnomAD v4.1: 1,320 of 1,597,596 alleles (0.083%); highest among the groups gnomAD compares: African/African-American, 1.5%; 8 homozygotes.

Submissions (2):

Labcorp Genetics (formerly Invitae), Labcorp
Classification: Benign for Primary dilated cardiomyopathy. Last evaluated: 2026-02-02. Review status: criteria provided, single submitter. Criteria: Invitae Variant Classification Sherloc (09022015). Collection method: clinical testing. Allele origin: germline.

GeneDx
Classification: Benign. Last evaluated: 2016-11-10. Review status: criteria provided, single submitter. Criteria: GeneDx Variant Classification (06012015). Collection method: clinical testing. Allele origin: germline. Affected: yes.
Comment: This variant is considered likely benign or benign based on one or more of the following criteria: it is a conservative change, it occurs at a poorly conserved position in the protein, it is predicted to be benign by multiple in silico algorithms, and/or has population frequency not consistent with disease.